The following is an entry in ClinVar:

ClinVar aggregate classification (germline): Benign/Likely benign. Review status: criteria provided, multiple submitters, no conflicts (2 of 4 stars). 3 submissions from 3 submitters: Benign (1); Likely benign (1). 1 of the submissions does not count toward it. Last evaluated 2024-12-03.

Conditions:
KMT2E-related disorder. Also called: KMT2E-related condition.

Submissions (3):

Labcorp Genetics (formerly Invitae), Labcorp
Classification: Benign. Last evaluated: 2024-12-03. Review status: criteria provided, single submitter. Criteria: Invitae Variant Classification Sherloc (09022015). Collection method: clinical testing. Allele origin: germline.

Blueprint Genetics
Classification: Likely benign. Last evaluated: 2022-06-09. Review status: criteria provided, single submitter. Criteria: ACMG Guidelines, 2015. Collection method: clinical testing. Allele origin: germline.

PreventionGenetics, part of Exact Sciences
Classification: Likely benign for KMT2E-related condition. Last evaluated: 2021-02-15. Review status: no assertion criteria provided. Collection method: clinical testing. Allele origin: germline. Not counted in ClinVar's aggregate classification.
Comment: This variant is classified as likely benign based on ACMG/AMP sequence variant interpretation guidelines (Richards et al. 2015 PMID: 25741868, with internal and published modifications).

NM_182931.3(KMT2E):c.72-3dup

Gene: KMT2E (lysine methyltransferase 2E (inactive); plus strand). Cytogenetic location: 7q22.3.
Variant type: Duplication.
Coding change: c.72-3dup on transcript NM_182931.3 (MANE Select); 3 bases into the intron before coding-DNA position 72, one base duplicated (C; older notation c.72-3dupC).
Molecular consequence: intron variant.
Genome position (GRCh38, 1-based): chr7:105,062,161, C duplicated; the last of 6 consecutive C bases (chr7:105,062,156-105,062,161); duplicating any one gives the same sequence. VCF-style (leftmost placement, unchanged base first): chr7-105062155-T-TC. GRCh37 (hg19) VCF-style: chr7-104702602-T-TC.
Other names: c.72-3dup (NM_018682.4); c.72-3dupC (NM_182931.2).
Identifiers: ClinVar variation 2417530 (VCV002417530.9), dbSNP rs750861444, ClinGen allele CA4423607.